The following is an entry in ClinVar:

ClinVar aggregate classification (germline): Likely pathogenic (1 of 4 stars; one submission).

Conditions:
Congenital malabsorptive diarrhea 4. Also called: ENTERIC ANENDOCRINOSIS; DIARRHEA 4, MALABSORPTIVE, CONGENITAL, WITH DIABETES MELLITUS AND COMBINED PITUITARY HORMONE DEFICIENCY. Identifiers: Orphanet 83620, MedGen C1835888, MONDO:0012479, OMIM 610370, HP:6001346.

Submission:

Aleixo Muise Laboratory, Hospital For Sick Children
Classification: Likely pathogenic for Congenital malabsorptive diarrhea 4. Last evaluated: 2024-07-05. Review status: criteria provided, single submitter. Criteria: ACMG Guidelines, 2015. Collection method: research. Allele origin: germline. Affected: yes. Observed: 4 variant alleles.
Comment: PM2;PM5;PP1;PP3;PP4

NM_020999.4(NEUROG3):c.410A>G (p.Gln137Arg)

Gene: NEUROG3 (neurogenin 3; minus strand). Cytogenetic location: 10q22.1.
Variant type: single nucleotide variant.
Coding change: c.410A>G on transcript NM_020999.4 (MANE Select); coding-DNA position 410, A replaced by G.
Protein change: p.Gln137Arg; replaces glutamine 137 with arginine.
Molecular consequence: missense variant.
Genome position (GRCh38, 1-based): chr10:69,572,634, T>C on the plus strand (A>G on the coding strand, the complement: NEUROG3 is on the minus strand). VCF-style: chr10-69572634-T-C. GRCh37 (hg19) VCF-style: chr10-71332390-T-C.
Other names: short protein forms Q137R.
Identifiers: ClinVar variation 3255339 (VCV003255339.1).